The following is an entry in ClinVar:

NM_000059.4(BRCA2):c.5238dup (p.Asn1747Ter)

Gene: BRCA2 (BRCA2 DNA repair associated; plus strand). Cytogenetic location: 13q13.1.
Variant type: Duplication.
Coding change: c.5238dup on transcript NM_000059.4 (MANE Select); coding-DNA position 5238, one base duplicated (T; older notation c.5238dupT).
Protein change: p.Asn1747Ter; replaces asparagine 1747 with a stop codon.
Molecular consequence: nonsense.
Genome position (GRCh38, 1-based): chr13:32,339,593, T duplicated. VCF-style (leftmost placement, unchanged base first): chr13-32339592-C-CT. GRCh37 (hg19) VCF-style: chr13-32913729-C-CT.
Other names: 5466insT; c.5238dupT (NM_000059.3); short protein forms N1747*.
Identifiers: ClinVar variation 37954 (VCV000037954.126), dbSNP rs80359499, ClinGen allele CA021826.

ClinVar aggregate classification (germline): Pathogenic. Review status: reviewed by expert panel (3 of 4 stars). 44 submissions from 41 submitters: Pathogenic (1). 43 of the submissions do not count toward it. Last evaluated 2016-09-08.

Conditions:
BRCA2-related cancer predisposition. Identifiers: MedGen CN377758, MONDO:0700269.
BRCA2-related disorder. Also called: BRCA2-related condition; BRCA2-related disorders. Identifiers: MedGen CN239275.
Pancreatic cancer, susceptibility to, 2. Identifiers: Orphanet 1333, MedGen C3150546, MONDO:0013235, OMIM 613347.
Glioma susceptibility 3 (GLM3). Also called: Glioblastoma 3. Identifiers: Orphanet 182067, Orphanet 360, MedGen C2751641, MONDO:0013093, OMIM 613029.
Familial prostate cancer. Also called: Hereditary Prostate Cancer. Identifiers: MedGen C2931456, MONDO:0700275, OMIM 176807.
Breast-ovarian cancer, familial, susceptibility to, 2 (BROVCA2). Also called: BRCA2 Hereditary Breast and Ovarian Cancer. Identifiers: Orphanet 145, MedGen C2675520, MONDO:0012933, OMIM 612555. Disease mechanism: loss of function.
Fanconi anemia complementation group D1. Also called: BRCA2-Related Fanconi Anemia. Identifiers: Orphanet 319462, MedGen C1838457, MONDO:0011584, OMIM 605724.
Medulloblastoma (MDB). Also called: Medulloblastoma, somatic; MEDULLOBLASTOMA PREDISPOSITION SYNDROME. Identifiers: Orphanet 616, MedGen C0025149, MeSH D008527, MONDO:0007959, OMIM 155255, HP:0002885.
Wilms tumor 1 (WT1). Also called: Wilms tumor, somatic. Identifiers: Orphanet 654, MedGen CN033288, MONDO:0008679, OMIM 194070.
Familial cancer of breast. Also called: BREAST CANCER, FAMILIAL; hereditary breast carcinoma; Hereditary breast cancer. Identifiers: Orphanet 227535, MedGen C0346153, MONDO:0016419, OMIM 114480. Disease mechanism: loss of function.
Prostate cancer. Also called: Malignant tumor of prostate. Identifiers: Orphanet 1331, MedGen C0376358, MONDO:0008315, HP:0012125.
Breast and/or ovarian cancer. Identifiers: MedGen CN221562.
Hereditary cancer-predisposing syndrome. Also called: Neoplastic Syndromes, Hereditary; Tumor predisposition; Hereditary Cancer Syndrome; Hereditary neoplastic syndrome. Identifiers: Orphanet 140162, MedGen C0027672, MeSH D009386, MONDO:0015356.
Hereditary breast ovarian cancer syndrome. Also called: Breast and ovarian cancer; Hereditary breast and ovarian cancer; Hereditary breast and ovarian cancer syndrome (HBOC); Hereditary breast and ovarian cancer syndrome; BRCA1- and BRCA2-Associated Hereditary Breast and Ovarian Cancer; Hereditary breast and/or ovarian cancer syndrome. Identifiers: Orphanet 145, MedGen C0677776, MeSH D061325, MONDO:0003582. Disease mechanism: loss of function.
Breast-ovarian cancer, familial, susceptibility to, 1 (BROVCA1). Also called: BRCA1 Hereditary Breast and Ovarian Cancer; OVARIAN CANCER, SUSCEPTIBILITY TO. Identifiers: Orphanet 145, MedGen C2676676, MONDO:0011450, OMIM 604370. Disease mechanism: loss of function.
Malignant tumor of breast. Also called: Cancer breast; Malignant breast neoplasm. Identifiers: MedGen C0006142, MONDO:0007254. Disease mechanism: loss of function.

Allele frequency attached by ClinVar (database versions not stated): gnomAD exomes below 0.00001; TOPMed below 0.00001.

Submissions 1 to 9 of 44:

Evidence-based Network for the Interpretation of Germline Mutant Alleles (ENIGMA)
Classification: Pathogenic for Breast-ovarian cancer, familial, susceptibility to, 2. Last evaluated: 2016-09-08. Review status: reviewed by expert panel. Criteria: ENIGMA BRCA1/2 Classification Criteria (2015). Collection method: curation. Allele origin: germline.
Comment: Variant allele predicted to encode a truncated non-functional protein.

CeGaT Center for Human Genetics Tuebingen
Classification: Pathogenic. Last evaluated: 2026-07-01. Review status: criteria provided, single submitter. Criteria: CeGaT Center For Human Genetics Tuebingen Variant Classification Criteria Version 2. Collection method: clinical testing. Allele origin: germline. Affected: yes. Observed: 2 variant alleles. Not counted in ClinVar's aggregate classification.
Comment: BRCA2: PVS1, PS4, PM2

PreventionGenetics, part of Exact Sciences
Classification: Pathogenic for BRCA2-related condition. Last evaluated: 2026-06-03. Review status: criteria provided, single submitter. Criteria: ACMG Guidelines, 2015. Collection method: clinical testing. Allele origin: germline. Not counted in ClinVar's aggregate classification.
Comment: The BRCA2 c.5238dupT variant is predicted to result in premature protein termination (p.Asn1747*). This variant has been documented to be pathogenic in multiple unrelated individuals with breast or ovarian cancer [Reported in Table III as 5466insT(1747X) in Meindl et al. 2002. PubMed ID: 11802209; reported as c.5238insT in Pern et al. 2012. PubMed ID: 23110154; reported in Table S1 as S1746fs in Cunningham et al. 2014. PubMed ID: 24504028; reported in Suppl Table 1 as c.5237_5238insT (p.S1746fs) in Schroeder et al. 2015. PubMed ID: 26022348]. This variant has not been reported in a large population database, indicating this variant is rare. It is interpreted as pathogenic in ClinVar (Variation ID: 37954). Nonsense variants in BRCA2 are expected to be pathogenic. This variant is interpreted as pathogenic.

Institute of Human Genetics, University of Leipzig Medical Center
Classification: Pathogenic for Breast-ovarian cancer, familial, susceptibility to, 2. Last evaluated: 2026-05-04. Review status: criteria provided, single submitter. Criteria: ACMG Guidelines, 2015. Collection method: clinical testing. Allele origin: unknown. Inheritance: Autosomal dominant inheritance. Affected: yes. Not counted in ClinVar's aggregate classification.
Comment: Criteria applied: PVS1,PM5_STR,PM2_SUP,PP4

Labcorp Genetics (formerly Invitae), Labcorp
Classification: Pathogenic for Hereditary breast ovarian cancer syndrome. Last evaluated: 2026-01-11. Review status: criteria provided, single submitter. Criteria: Invitae Variant Classification Sherloc (09022015). Collection method: clinical testing. Allele origin: germline. Not counted in ClinVar's aggregate classification.
Comment: This sequence change creates a premature translational stop signal (p.Asn1747*) in the BRCA2 gene. It is expected to result in an absent or disrupted protein product. Loss-of-function variants in BRCA2 are known to be pathogenic (PMID: 20104584). This variant is not present in population databases (gnomAD no frequency). This premature translational stop signal has been observed in individual(s) with breast and/or ovarian cancer (PMID: 11802209, 16168118, 23110154, 25682074, 26681312). This variant is also known as 5466insT. ClinVar contains an entry for this variant (Variation ID: 37954). For these reasons, this variant has been classified as Pathogenic.

Dasa
Classification: Pathogenic. Last evaluated: 2025-09-18. Review status: criteria provided, single submitter. Criteria: DASA Assertion Criteria. Collection method: clinical testing. Allele origin: germline. Not counted in ClinVar's aggregate classification.
Comment: NM_000059.4(BRCA2):c.5238dup (p.Asn1747Ter) introduces a premature termination codon predicted to result in loss of normal protein function. Loss-of-function is an established mechanism of disease for this gene. The affected residue or protein region has prior evidence supporting clinical relevance. This variant has been reported in individuals with related phenotype. The variant is present at low frequency in population datasets. Based on the available data, this variant is classified as pathogenic.

OLLIN Analises Genomicas, OLLIN
Classification: Pathogenic for Breast-ovarian cancer, familial, susceptibility to, 2. Last evaluated: 2025-08-01. Review status: criteria provided, single submitter. Criteria: ACMG Guidelines 2015 PMID 25741868. Collection method: clinical testing. Allele origin: germline. Affected: yes. Observed: 1 variant allele. Not counted in ClinVar's aggregate classification.
Comment: The frameshift variant (chr13:32339592C>CT), located in exon 11 (of 27), is reported in gnomAD v4.1 non-UKB with an allele frequency of 0.00032%, in ClinVar (VCV000037954.116), and in the scientific literature in individuals with breast and ovarian cancer (PMID: 39080120, 27930734, 35382848, 30441849). This variant promotes a frameshift with subsequent introduction of a premature stop codon, resulting in a truncated protein or mRNA degradation via nonsense-mediated decay (NMD). There is another reported pathogenic variant that alters this same residue, but to a different amino acid. According to the currently available evidence and the specific ClinGen criteria for the gene (PMID: 39142283), this variant is classified as pathogenic (PVS1, PM2_P, PM5_S).

GeneKor MSA
Classification: Pathogenic for Hereditary breast ovarian cancer syndrome. Last evaluated: 2025-05-15. Review status: criteria provided, single submitter. Criteria: ACMG Guidelines, 2015. Collection method: clinical testing. Allele origin: germline. Not counted in ClinVar's aggregate classification.
Comment: This variant is a duplication of T at nucleotide position 5238 in exon 11 of the BRCA2 mRNA c.(5238dupT), causing the creation of a premature translation stop signal at codon 1747 p.(Asn1747*). This is expected to result in an absent or disrupted protein product. Loss-of-function variants in BRCA2 are known to be pathogenic (PMID:20104584). This variant is not present in population databases (rs80359499). This variant, also known as 5466insT in the literature, has been reported in individuals affected with breast and/or ovarian cancer (PMID:11802209, 23110154, 16168118, 25682074, 26681312). ClinVar contains entries for this variant where is listed as pathogenic (VCV000037954.108). Based on the classification criteria set by the ACMG and AMP (PMID:25741868), this variant has been classified as pathogenic.

Center for Genomic Medicine, Rigshospitalet, Copenhagen University Hospital
Classification: Pathogenic. Last evaluated: 2025-03-04. Review status: criteria provided, single submitter. Criteria: ACMG Guidelines, 2015. Collection method: clinical testing. Allele origin: germline. Not counted in ClinVar's aggregate classification.